The following is an entry in ClinVar:

NM_001283009.2(RTEL1):c.3286C>G (p.Leu1096Val)

Genes: RTEL1 (regulator of telomere elongation helicase 1; plus strand), RTEL1-TNFRSF6B (RTEL1-TNFRSF6B readthrough (NMD candidate); plus strand). Cytogenetic location: 20q13.33.
Variant type: single nucleotide variant.
Coding change: c.3286C>G on transcript NM_001283009.2 (MANE Select); coding-DNA position 3286, C replaced by G.
Protein change: p.Leu1096Val; replaces leucine 1096 with valine.
Molecular consequence: missense variant. On other transcripts: non-coding transcript variant (1).
Genome position (GRCh38, 1-based): chr20:63,694,917, C>G. VCF-style: chr20-63694917-C-G. GRCh37 (hg19) VCF-style: chr20-62326270-C-G.
Other names: c.2617C>G, p.Leu873Val (NM_001283010.1); c.3286C>G, p.Leu1096Val (NM_016434.4); c.3358C>G, p.Leu1120Val (NM_032957.5); short protein forms L1096V, L873V, L1120V.
Identifiers: ClinVar variation 2159265 (VCV002159265.4), dbSNP rs547956753, ClinGen allele CA9965940.

ClinVar aggregate classification (germline): Conflicting classifications of pathogenicity. Review status: criteria provided, conflicting classifications (1 of 4 stars). 2 submissions from 2 submitters: Uncertain significance (1); Likely benign (1). Last evaluated 2024-12-01.

Conditions:
Pulmonary fibrosis and/or bone marrow failure, Telomere-related, 3. Also called: PULMONARY FIBROSIS AND/OR BONE MARROW FAILURE SYNDROME, TELOMERE-RELATED, 3. Identifiers: Orphanet 2032, MedGen C4225346, MONDO:0014613, OMIM 616373.
Dyskeratosis congenita, autosomal recessive 5 (DKCB5). Identifiers: MedGen C3554656, MONDO:0014076, OMIM 615190.
Inborn genetic diseases. Identifiers: MedGen C0950123, MeSH D030342.

gnomAD v4.1: 9 of 1,612,522 alleles (0.00056%); highest among the groups gnomAD compares: African/African-American, 0.0013%; no homozygotes.

Submissions (2):

Ambry Genetics
Classification: Likely benign for Inborn genetic diseases. Last evaluated: 2024-12-01. Review status: criteria provided, single submitter. Criteria: Ambry Variant Classification Scheme 2023. Collection method: clinical testing. Allele origin: germline.

Labcorp Genetics (formerly Invitae), Labcorp
Classification: Uncertain significance for Dyskeratosis congenita, autosomal recessive 5; Pulmonary fibrosis and/or bone marrow failure, Telomere-related, 3. Last evaluated: 2024-08-30. Review status: criteria provided, single submitter. Criteria: Invitae Variant Classification Sherloc (09022015). Collection method: clinical testing. Allele origin: germline.
Comment: This sequence change replaces leucine, which is neutral and non-polar, with valine, which is neutral and non-polar, at codon 1096 of the RTEL1 protein (p.Leu1096Val). This variant is present in population databases (rs547956753, gnomAD 0.007%). This variant has not been reported in the literature in individuals affected with RTEL1-related conditions. ClinVar contains an entry for this variant (Variation ID: 2159265). An algorithm developed to predict the effect of missense changes on protein structure and function outputs the following: PolyPhen-2: "Benign". The valine amino acid residue is found in multiple mammalian species, which suggests that this missense change does not adversely affect protein function. In summary, the available evidence is currently insufficient to determine the role of this variant in disease. Therefore, it has been classified as a Variant of Uncertain Significance.